The following is an entry in ClinVar:

NM_000260.4(MYO7A):c.5168+2T>C

Gene: MYO7A (myosin VIIA; plus strand). Cytogenetic location: 11q13.5.
Variant type: single nucleotide variant.
Coding change: c.5168+2T>C on transcript NM_000260.4 (MANE Select); the canonical splice donor site of the intron after coding-DNA position 5168, T replaced by C.
Molecular consequence: splice donor variant.
Genome position (GRCh38, 1-based): chr11:77,202,426, T>C. VCF-style: chr11-77202426-T-C. GRCh37 (hg19) VCF-style: chr11-76913471-T-C.
Other names: c.5021+2T>C (NM_001369365.1); c.5054+2T>C (NM_001127180.2).
Identifiers: ClinVar variation 558006 (VCV000558006.12), dbSNP rs1192104600, ClinGen allele CA381951918.

ClinVar aggregate classification (germline): Pathogenic/Likely pathogenic. Review status: criteria provided, multiple submitters, no conflicts (2 of 4 stars). 4 submissions from 4 submitters: Pathogenic (2); Likely pathogenic (1). 1 of the submissions does not count toward it. Last evaluated 2026-07-28.

Conditions:
Usher syndrome type 1 (USH1). Also called: RETINITIS PIGMENTOSA AND CONGENITAL DEAFNESS. Identifiers: Orphanet 231169, Orphanet 886, MedGen C1568247, MONDO:0010168, OMIM 276900.
Autosomal recessive nonsyndromic hearing loss 2. Also called: DEAFNESS, AUTOSOMAL RECESSIVE 2; NEUROSENSORY NONSYNDROMIC RECESSIVE DEAFNESS 2. Identifiers: Orphanet 90636, MedGen C1838701, MONDO:0010807, OMIM 600060.

Submissions (4):

Myriad Genetics, Inc.
Classification: Likely pathogenic for Usher syndrome type 1. Last evaluated: 2026-07-28. Review status: criteria provided, single submitter. Criteria: Myriad Autosomal Dominant, Autosomal Recessive and X-Linked Classification Criteria (2023). Collection method: clinical testing. Allele origin: unknown.
Comment: NM_000260.3(MYO7A):c.5168+2T>C is a variant in a canonical splice site classified as likely pathogenic in the context of MYO7A-related disorders. c.5168+2T>C has not been observed in cases with relevant disease. Relevant functional assessments of this variant are not available in the literature. c.5168+2T>C has not been observed in referenced population frequency databases. In summary, NM_000260.3(MYO7A):c.5168+2T>C is a variant in a canonical splice site in a gene where loss of function is a known mechanism of disease and is predicted to disrupt protein function. Please note: this variant was assessed in the context of healthy population screening.

GeneDx
Classification: Pathogenic. Last evaluated: 2025-08-15. Review status: criteria provided, single submitter. Criteria: GeneDx Variant Classification Process June 2021. Collection method: clinical testing. Allele origin: germline. Affected: yes.
Comment: Canonical splice site variant predicted to result in a null allele in a gene for which loss of function is a known mechanism of disease; Not observed at significant frequency in large population cohorts (gnomAD); Has not been previously published as pathogenic or benign to our knowledge

Labcorp Genetics (formerly Invitae), Labcorp
Classification: Pathogenic. Last evaluated: 2024-08-31. Review status: criteria provided, single submitter. Criteria: Invitae Variant Classification Sherloc (09022015). Collection method: clinical testing. Allele origin: germline.
Comment: This sequence change affects a donor splice site in intron 37 of the MYO7A gene. It is expected to disrupt RNA splicing. Variants that disrupt the donor or acceptor splice site typically lead to a loss of protein function (PMID: 16199547), and loss-of-function variants in MYO7A are known to be pathogenic (PMID: 8900236, 25404053). This variant is not present in population databases (gnomAD no frequency). Disruption of this splice site has been observed in individual(s) with Usher syndrome (PMID: 29416772). In at least one individual the data is consistent with being in trans (on the opposite chromosome) from a pathogenic variant. It has also been observed to segregate with disease in related individuals. ClinVar contains an entry for this variant (Variation ID: 558006). Algorithms developed to predict the effect of sequence changes on RNA splicing suggest that this variant may disrupt the consensus splice site. For these reasons, this variant has been classified as Pathogenic.

Counsyl
Classification: Likely pathogenic for Usher syndrome type 1; Autosomal recessive nonsyndromic hearing loss 2. Last evaluated: 2018-04-24. Review status: no assertion criteria provided. Collection method: clinical testing. Allele origin: unknown. Not counted in ClinVar's aggregate classification.

Literature cited by the submitters: PubMed 16199547 (cited by Labcorp Genetics (formerly Invitae), Labcorp); PubMed 8900236 (cited by Labcorp Genetics (formerly Invitae), Labcorp); PubMed 25404053 (cited by Labcorp Genetics (formerly Invitae), Labcorp); PubMed 29416772 (cited by Labcorp Genetics (formerly Invitae), Labcorp).